The following is an entry in ClinVar:

ClinVar aggregate classification (germline): Uncertain significance (1 of 4 stars; one submission).

gnomAD v4.1: 149 of 1,395,914 alleles (0.011%); highest among the groups gnomAD compares: Admixed American, 0.031%; no homozygotes.

Submission:

CeGaT Center for Human Genetics Tuebingen
Classification: Uncertain significance. Last evaluated: 2025-10-01. Review status: criteria provided, single submitter. Criteria: CeGaT Center For Human Genetics Tuebingen Variant Classification Criteria Version 2. Collection method: clinical testing. Allele origin: germline. Affected: yes. Observed: 1 variant allele.
Comment: POLRMT: PM2, BP4

NM_005035.4(POLRMT):c.2251G>A (p.Ala751Thr)

Gene: POLRMT (RNA polymerase mitochondrial; minus strand). Cytogenetic location: 19p13.3.
Variant type: single nucleotide variant.
Coding change: c.2251G>A on transcript NM_005035.4 (MANE Select); coding-DNA position 2251, G replaced by A.
Protein change: p.Ala751Thr; replaces alanine 751 with threonine.
Molecular consequence: missense variant. On other transcripts: non-coding transcript variant (1).
Genome position (GRCh38, 1-based): chr19:621,447, C>T on the plus strand (G>A on the coding strand, the complement: POLRMT is on the minus strand). VCF-style: chr19-621447-C-T. GRCh37 (hg19) VCF-style: chr19-621447-C-T.
Other names: c.2251G>A, p.Ala751Thr (NM_001407814.1, NM_001407815.1, NM_001407816.1 and 4 more transcripts); c.2026G>A, p.Ala676Thr (NM_001407830.1, NM_001407832.1); c.1927G>A, p.Ala643Thr (NM_001407831.1, NM_001407833.1, NM_001407835.1 and 1 more transcripts); c.1918G>A, p.Ala640Thr (NM_001407834.1); c.2242G>A, p.Ala748Thr (NM_001407806.1, NM_001407809.1); c.2239G>A, p.Ala747Thr (NM_001407807.1, NM_001407810.1); c.2209G>A, p.Ala737Thr (NM_001407811.1, NM_001407813.1); short protein forms A640T, A643T, A676T, A737T, A747T, A748T, A751T.
Identifiers: ClinVar variation 4533729 (VCV004533729.6).